The following is an entry in ClinVar:

ClinVar aggregate classification (germline): Uncertain significance. Review status: criteria provided, single submitter (1 of 4 stars). 2 submissions from 2 submitters: Uncertain significance (1). 1 of the submissions does not count toward it. Last evaluated 2022-09-16.

Conditions:
Cerebral creatine deficiency syndrome. Also called: Creatine deficiency syndromes. Identifiers: Orphanet 79172, MedGen C5244016, MONDO:0000456.
Deficiency of guanidinoacetate methyltransferase (CCDS2). Also called: GAMT DEFICIENCY; CEREBRAL CREATINE DEFICIENCY SYNDROME 2; Guanidinoacetate Methyltransferase (GAMT) Deficiency. Identifiers: Orphanet 382, MedGen C0574080, MONDO:0012999, OMIM 612736.

Allele frequency attached by ClinVar (database versions not stated): gnomAD exomes 0.00002 and 0.00001; gnomAD 0.00002; TOPMed 0.00004.
gnomAD v4.1: 17 of 1,613,590 alleles (0.0011%); highest among the groups gnomAD compares: Admixed American, 0.02%; no homozygotes.

Submissions (2):

Labcorp Genetics (formerly Invitae), Labcorp
Classification: Uncertain significance for Cerebral creatine deficiency syndrome. Last evaluated: 2022-09-16. Review status: criteria provided, single submitter. Criteria: Invitae Variant Classification Sherloc (09022015). Collection method: clinical testing. Allele origin: germline.
Comment: This sequence change replaces leucine, which is neutral and non-polar, with phenylalanine, which is neutral and non-polar, at codon 139 of the GAMT protein (p.Leu139Phe). This variant is present in population databases (no rsID available, gnomAD 0.01%). This variant has not been reported in the literature in individuals affected with GAMT-related conditions. ClinVar contains an entry for this variant (Variation ID: 571798). Advanced modeling of protein sequence and biophysical properties (such as structural, functional, and spatial information, amino acid conservation, physicochemical variation, residue mobility, and thermodynamic stability) has been performed at Invitae for this missense variant, however the output from this modeling did not meet the statistical confidence thresholds required to predict the impact of this variant on GAMT protein function. In summary, the available evidence is currently insufficient to determine the role of this variant in disease. Therefore, it has been classified as a Variant of Uncertain Significance.

Natera, Inc.
Classification: Uncertain significance for Guanidinoacetate methyltransferase deficiency. Last evaluated: 2019-10-28. Review status: no assertion criteria provided. Collection method: clinical testing. Allele origin: germline. Not counted in ClinVar's aggregate classification.

NM_000156.6(GAMT):c.415C>T (p.Leu139Phe)

Gene: GAMT (guanidinoacetate N-methyltransferase; minus strand). Cytogenetic location: 19p13.3.
Variant type: single nucleotide variant.
Coding change: c.415C>T on transcript NM_000156.6 (MANE Select); coding-DNA position 415, C replaced by T.
Protein change: p.Leu139Phe; replaces leucine 139 with phenylalanine.
Molecular consequence: missense variant.
Genome position (GRCh38, 1-based): chr19:1,399,172, G>A on the plus strand (C>T on the coding strand, the complement: GAMT is on the minus strand). VCF-style: chr19-1399172-G-A. GRCh37 (hg19) VCF-style: chr19-1399171-G-A.
Other names: c.415C>T, p.Leu139Phe (NM_138924.3); short protein forms L139F.
Identifiers: ClinVar variation 571798 (VCV000571798.7), dbSNP rs1300612017, ClinGen allele CA402995289.